The following is an entry in ClinVar:

ClinVar aggregate classification (germline): Uncertain significance (1 of 4 stars; one submission).

Conditions:
Primary ciliary dyskinesia. Also called: Ciliary dyskinesia. Identifiers: Orphanet 244, MedGen C0008780, MONDO:0016575, HP:0012265.

Submission:

Labcorp Genetics (formerly Invitae), Labcorp
Classification: Uncertain significance for Primary ciliary dyskinesia. Last evaluated: 2022-09-07. Review status: criteria provided, single submitter. Criteria: Invitae Variant Classification Sherloc (09022015). Collection method: clinical testing. Allele origin: germline.
Comment: This variant results in a copy number gain of the genomic region encompassing exon(s) 1-50 of the DNAH5 gene (c.-239737_8448+1dup). This region includes the initiator codon of the gene. This copy number gain extends beyond the assayed region for this gene and therefore may encompass additional genes. As the precise location of this event is unknown, it may be in tandem or it may be located elsewhere in the genome. This variant has not been reported in the literature in individuals affected with DNAH5-related conditions. In summary, the available evidence is currently insufficient to determine the role of this variant in disease. Therefore, it has been classified as a Variant of Uncertain Significance.

NC_000005.9:g.(?_13792102)_(14184284_?)dup

Genes: DNAH5 (dynein axonemal heavy chain 5; minus strand), TRIO (trio Rho guanine nucleotide exchange factor; plus strand). Cytogenetic location: 5p15.2.
Variant type: Duplication.
Identifiers: ClinVar variation 2424144 (VCV002424144.11).